The following is an entry in ClinVar:

NM_002691.4(POLD1):c.2407C>A (p.Leu803Ile)

Gene: POLD1 (DNA polymerase delta 1, catalytic subunit; plus strand). Cytogenetic location: 19q13.33.
Variant type: single nucleotide variant.
Coding change: c.2407C>A on transcript NM_002691.4 (MANE Select); coding-DNA position 2407, C replaced by A.
Protein change: p.Leu803Ile; replaces leucine 803 with isoleucine.
Molecular consequence: missense variant. On other transcripts: non-coding transcript variant (1).
Genome position (GRCh38, 1-based): chr19:50,414,833, C>A. VCF-style: chr19-50414833-C-A. GRCh37 (hg19) VCF-style: chr19-50918090-C-A.
Other names: c.2407C>A, p.Leu803Ile (NM_001256849.1); c.2485C>A, p.Leu829Ile (NM_001308632.1); short protein forms L803I, L829I.
Identifiers: ClinVar variation 1012145 (VCV001012145.8), dbSNP rs2039213973, ClinGen allele CA406984569.

ClinVar aggregate classification (germline): Uncertain significance (1 of 4 stars; one submission).

Conditions:
POLD1-related polyposis and colorectal cancer syndrome (CRCS10). Also called: Colorectal cancer 10; COLORECTAL CANCER, SUSCEPTIBILITY TO, ON CHROMOSOME 19q; Colorectal cancer, susceptibility to, 10. Identifiers: Orphanet 220460, MedGen C2675481, MONDO:0012953, OMIM 612591.

Submission:

Labcorp Genetics (formerly Invitae), Labcorp
Classification: Uncertain significance for POLD1-related polyposis and colorectal cancer syndrome. Last evaluated: 2024-05-29. Review status: criteria provided, single submitter. Criteria: Invitae Variant Classification Sherloc (09022015). Collection method: clinical testing. Allele origin: germline.
Comment: This sequence change replaces leucine, which is neutral and non-polar, with isoleucine, which is neutral and non-polar, at codon 803 of the POLD1 protein (p.Leu803Ile). This variant is not present in population databases (gnomAD no frequency). This variant has not been reported in the literature in individuals affected with POLD1-related conditions. ClinVar contains an entry for this variant (Variation ID: 1012145). Advanced modeling of protein sequence and biophysical properties (such as structural, functional, and spatial information, amino acid conservation, physicochemical variation, residue mobility, and thermodynamic stability) performed at Invitae indicates that this missense variant is expected to disrupt POLD1 protein function with a positive predictive value of 80%. In summary, the available evidence is currently insufficient to determine the role of this variant in disease. Therefore, it has been classified as a Variant of Uncertain Significance.